The following is an entry in ClinVar:

NM_000274.4(OAT):c.678G>T (p.Ala226=)

Genes: OAT (ornithine aminotransferase; minus strand), LOC121815974 (Sharpr-MPRA regulatory region 15365; plus strand). Cytogenetic location: 10q26.13.
Variant type: single nucleotide variant.
Coding change: c.678G>T on transcript NM_000274.4 (MANE Select); coding-DNA position 678, G replaced by T.
Protein change: p.Ala226=; no amino-acid change (alanine 226 retained).
Molecular consequence: synonymous variant.
Genome position (GRCh38, 1-based): chr10:124,403,891, C>A on the plus strand (G>T on the coding strand, the complement: OAT is on the minus strand). VCF-style: chr10-124403891-C-A. GRCh37 (hg19) VCF-style: chr10-126092460-C-A.
Other names: c.678G>T (NM_000274.3); c.264G>T, p.Ala88= (NM_001171814.2); c.678G>T, p.Ala226= (NM_001322965.2, NM_001322966.2, NM_001322967.2 and 3 more transcripts); c.357G>T, p.Ala119= (NM_001322971.2); c.78G>T, p.Ala26= (NM_001322974.2).
Identifiers: ClinVar variation 1160286 (VCV001160286.12), dbSNP rs1305977647, ClinGen allele CA471762922.

ClinVar aggregate classification (germline): Likely benign. Review status: criteria provided, multiple submitters, no conflicts (2 of 4 stars). 2 submissions from 2 submitters: Likely benign (2). Last evaluated 2026-06-02.

Conditions:
OAT-related disorder. Also called: OAT-related condition.
Ornithine aminotransferase deficiency (GACR). Also called: OKT DEFICIENCY; HYPERORNITHINEMIA WITH GYRATE ATROPHY OF CHOROID AND RETINA; Ornithine ketoacid aminotransferase deficiency; Gyrate atrophy; Gyrate atrophy of choroid and retina; Girate atrophy of the retina. Identifiers: Orphanet 414, MedGen C0018425, MONDO:0009796, OMIM 258870.

gnomAD v4.1: 3 of 1,614,114 alleles (0.00019%); highest among the groups gnomAD compares: Non-Finnish European, 0.00025%; no homozygotes.

Submissions (2):

PreventionGenetics, part of Exact Sciences
Classification: Likely benign for OAT-related condition. Last evaluated: 2026-06-02. Review status: criteria provided, single submitter. Criteria: ACMG Guidelines, 2015. Collection method: clinical testing. Allele origin: germline.
Comment: This variant is classified as likely benign based on ACMG/AMP sequence variant interpretation guidelines (Richards et al. 2015 PMID: 25741868, with internal and published modifications).

Labcorp Genetics (formerly Invitae), Labcorp
Classification: Likely benign for Ornithine aminotransferase deficiency. Last evaluated: 2022-04-20. Review status: criteria provided, single submitter. Criteria: Invitae Variant Classification Sherloc (09022015). Collection method: clinical testing. Allele origin: germline.